The following is an entry in ClinVar:

ClinVar aggregate classification (germline): Benign/Likely benign. Review status: criteria provided, multiple submitters, no conflicts (2 of 4 stars). 5 submissions from 5 submitters: Benign (4); Likely benign (1). Last evaluated 2026-02-04.

Conditions:
Familial isolated congenital asplenia. Also called: Asplenia, isolated congenital; ASPLENIA, FAMILIAL; HYPOSPLENIA, ISOLATED CONGENITAL. Identifiers: Orphanet 101351, MedGen C0685889, MONDO:0010066, OMIM 271400.

Allele frequency attached by ClinVar (database versions not stated): 1000 Genomes Project 0.25080; 1000 Genomes Project 30x 0.25172; TOPMed 0.25951; gnomAD 0.26529 and 0.26795; ESP Exome Variant Server 0.27072; ExAC 0.29290; gnomAD exomes 0.29350 and 0.31142.
gnomAD v4.1: 493,461 of 1,607,196 alleles (31%); highest among the groups gnomAD compares: Non-Finnish European, 32%; 77,234 homozygotes.

Submissions (5):

Labcorp Genetics (formerly Invitae), Labcorp
Classification: Benign. Last evaluated: 2026-02-04. Review status: criteria provided, single submitter. Criteria: Invitae Variant Classification Sherloc (09022015). Collection method: clinical testing. Allele origin: germline.

Blueprint Genetics
Classification: Likely benign. Last evaluated: 2024-11-26. Review status: criteria provided, single submitter. Criteria: ACMG Guidelines, 2015. Collection method: clinical testing. Allele origin: germline.

Genome-Nilou Lab
Classification: Benign for Familial isolated congenital asplenia. Last evaluated: 2021-11-07. Review status: criteria provided, single submitter. Criteria: ACMG Guidelines, 2015. Collection method: clinical testing. Allele origin: germline. Affected: no.

Laboratory for Molecular Medicine, Mass General Brigham Personalized Medicine
Classification: Benign. Last evaluated: 2016-03-28. Review status: criteria provided, single submitter. Criteria: LMM Criteria. Collection method: clinical testing. Allele origin: germline.
Comment: Variant identified in a genome or exome case(s) and assessed due to predicted null impact of the variant or pathogenic assertions in the literature or databases. Disclaimer: This variant has not undergone full assessment. The following are preliminary notes: Frequency

Breakthrough Genomics
Classification: Benign. Review status: criteria provided, single submitter. Criteria: ACMG Guidelines, 2015. Collection method: not provided. Allele origin: germline. Inheritance: Autosomal dominant inheritance. Affected: yes.

NM_002295.6(RPSA):c.519G>A (p.Leu173=)

Gene: RPSA (ribosomal protein SA; plus strand). Cytogenetic location: 3p22.1.
Variant type: single nucleotide variant.
Coding change: c.519G>A on transcript NM_002295.6 (MANE Select); coding-DNA position 519, G replaced by A.
Protein change: p.Leu173=; no amino-acid change (leucine 173 retained).
Molecular consequence: synonymous variant.
Genome position (GRCh38, 1-based): chr3:39,411,669, G>A. VCF-style: chr3-39411669-G-A. GRCh37 (hg19) VCF-style: chr3-39453160-G-A.
Other names: c.534G>A, p.Leu178= (NM_001304288.2).
Identifiers: ClinVar variation 403396 (VCV000403396.15), dbSNP rs2269350, ClinGen allele CA2327857.